The following is an entry in ClinVar:

ClinVar aggregate classification (germline): Pathogenic/Likely pathogenic. Review status: criteria provided, multiple submitters, no conflicts (2 of 4 stars). 4 submissions from 4 submitters: Pathogenic (2); Likely pathogenic (1). 1 of the submissions does not count toward it. Last evaluated 2026-04-23.

Conditions:
MYO15A-related disorder. Also called: MYO15A-related condition.
Autosomal recessive nonsyndromic hearing loss 3. Also called: NEUROSENSORY NONSYNDROMIC RECESSIVE DEAFNESS 3. Identifiers: Orphanet 90636, MedGen C1838263, MONDO:0010860, OMIM 600316.

Submissions (4):

GeneDx
Classification: Pathogenic. Last evaluated: 2026-04-23. Review status: criteria provided, single submitter. Criteria: GeneDx Variant Classification Process June 2021. Collection method: clinical testing. Allele origin: germline.
Comment: Frameshift variant predicted to result in protein truncation or nonsense mediated decay in a gene for which loss of function is a known mechanism of disease; Not observed at significant frequency in large population cohorts (gnomAD); Has not been previously published as pathogenic or benign to our knowledge; This variant is associated with the following publications: (PMID: 17546645)

Variantyx, Inc.
Classification: Likely pathogenic for Autosomal recessive nonsyndromic hearing loss 3. Last evaluated: 2025-10-17. Review status: criteria provided, single submitter. Criteria: Variantyx Assertion Criteria 2022. Collection method: clinical testing. Allele origin: germline. Inheritance: Autosomal recessive inheritance.
Comment: This is a frameshift variant in the MYO15A gene (OMIM: 602666). Pathogenic variants in this gene have been associated with autosomal recessive deafness 3. This variant introduces a premature termination codon in exon 22 out of 66 and is expected to result in loss of function, which is a known disease mechanism for MYO15A in this disorder (PVS1) (PMID:9603736;17851452). This variant has a 0.0010% maximum allele frequency in non-founder control populations (PM2). Based on the current evidence, this variant is classified as likely pathogenic for autosomal recessive deafness 3.

Labcorp Genetics (formerly Invitae), Labcorp
Classification: Pathogenic. Last evaluated: 2025-02-07. Review status: criteria provided, single submitter. Criteria: Invitae Variant Classification Sherloc (09022015). Collection method: clinical testing. Allele origin: germline.
Comment: This sequence change creates a premature translational stop signal (p.Gly1831Aspfs*18) in the MYO15A gene. It is expected to result in an absent or disrupted protein product. Loss-of-function variants in MYO15A are known to be pathogenic (PMID: 17546645). This variant is present in population databases (rs747371923, gnomAD 0.007%). This variant has not been reported in the literature in individuals affected with MYO15A-related conditions. ClinVar contains an entry for this variant (Variation ID: 632272). For these reasons, this variant has been classified as Pathogenic.

PreventionGenetics, part of Exact Sciences
Classification: Likely pathogenic for MYO15A-related condition. Last evaluated: 2024-06-20. Review status: no assertion criteria provided. Collection method: clinical testing. Allele origin: germline. Not counted in ClinVar's aggregate classification.
Comment: The MYO15A c.5492delG variant is predicted to result in a frameshift and premature protein termination (p.Gly1831Aspfs*18). To our knowledge, this variant has not been reported in the literature. This variant is reported in 0.0065% of alleles in individuals of European (Non-Finnish) descent in gnomAD. Frameshift variants in MYO15A are expected to be pathogenic. This variant is interpreted as likely pathogenic.

Literature cited by the submitters: PubMed 9603736 (cited by Variantyx, Inc.); PubMed 17851452 (cited by Variantyx, Inc.); PubMed 17546645 (cited by Labcorp Genetics (formerly Invitae), Labcorp).

NM_016239.4(MYO15A):c.5492del (p.Gly1831fs)

Gene: MYO15A (myosin XVA; plus strand). Cytogenetic location: 17p11.2.
Variant type: Deletion.
Coding change: c.5492del on transcript NM_016239.4 (MANE Select); coding-DNA position 5492, one base deleted (G; older notation c.5492delG).
Protein change: p.Gly1831fs; shifts the reading frame from glycine 1831.
Molecular consequence: frameshift variant.
Genome position (GRCh38, 1-based): chr17:18,141,104, G deleted; the last of 3 consecutive G bases (chr17:18,141,102-18,141,104); deleting any one gives the same sequence. VCF-style (leftmost placement, unchanged base first): chr17-18141101-AG-A. GRCh37 (hg19) VCF-style: chr17-18044415-AG-A.
Other names: c.5492del (NM_016239.3); short protein forms G1831fs.
Identifiers: ClinVar variation 632272 (VCV000632272.13), dbSNP rs747371923, ClinGen allele CA288403699.